The following is an entry in ClinVar:

ClinVar aggregate classification (germline): Uncertain significance (1 of 4 stars; one submission).

Submission:

GeneDx
Classification: Uncertain significance. Last evaluated: 2022-01-07. Review status: criteria provided, single submitter. Criteria: GeneDx Variant Classification Process June 2021. Collection method: clinical testing. Allele origin: germline. Affected: yes.
Comment: Not observed at significant frequency in large population cohorts (gnomAD); In silico analysis supports that this missense variant does not alter protein structure/function; Has not been previously published as pathogenic or benign to our knowledge

NM_001273.5(CHD4):c.4906A>G (p.Lys1636Glu)

Genes: CHD4 (chromodomain helicase DNA binding protein 4; minus strand), CHD4-AS1 (CHD4 antisense RNA 1; plus strand). Cytogenetic location: 12p13.31.
Variant type: single nucleotide variant.
Coding change: c.4906A>G on transcript NM_001273.5 (MANE Select); coding-DNA position 4906, A replaced by G.
Protein change: p.Lys1636Glu; replaces lysine 1636 with glutamic acid.
Molecular consequence: missense variant.
Genome position (GRCh38, 1-based): chr12:6,581,047, T>C on the plus strand (A>G on the coding strand, the complement: CHD4 is on the minus strand). VCF-style: chr12-6581047-T-C. GRCh37 (hg19) VCF-style: chr12-6690213-T-C.
Other names: c.4885A>G, p.Lys1629Glu (NM_001297553.2); c.4867A>G, p.Lys1623Glu (NM_001363606.2); short protein forms K1623E, K1629E, K1636E.
Identifiers: ClinVar variation 1695650 (VCV001695650.2), dbSNP rs866968846, ClinGen allele CA383569922.
Genomic context (GRCh38, chr12:6,581,047, plus strand): 5'-CAGCACTACACTGTCTCAAAACAAACAAACAAACAAAAAAAATGTGGATACCTTTACCTT[T>C]GGGCTCTGTCTCCATAGGTTCCTCTGTTCTCTCCTTCACCTCTGCCTTTTCCACTTTCTC-3'
Protein context (NP_001264.2, residues 1626-1646): RTEEPMETEP[Lys1636Glu]GAADVEKVEE